The following is an entry in ClinVar:

ClinVar aggregate classification (germline): Likely benign (0 of 4 stars; one submission).

Conditions:
VCAN-related disorder. Also called: VCAN-related condition.

Allele frequency attached by ClinVar (database versions not stated): gnomAD exomes below 0.00001; ExAC 0.00001; gnomAD 0.00001; 1000 Genomes Project 30x 0.00031; 1000 Genomes Project 0.00040.
gnomAD v4.1: 5 of 1,614,216 alleles (0.00031%); highest among the groups gnomAD compares: African/African-American, 0.0027%; no homozygotes.

Submission:

PreventionGenetics, part of Exact Sciences
Classification: Likely benign for VCAN-related condition. Last evaluated: 2019-06-06. Review status: no assertion criteria provided. Collection method: clinical testing. Allele origin: germline.
Comment: This variant is classified as likely benign based on ACMG/AMP sequence variant interpretation guidelines (Richards et al. 2015 PMID: 25741868, with internal and published modifications).

NM_004385.5(VCAN):c.3675A>G (p.Pro1225=)

Gene: VCAN (versican; plus strand). Cytogenetic location: 5q14.3.
Variant type: single nucleotide variant.
Coding change: c.3675A>G on transcript NM_004385.5 (MANE Select); coding-DNA position 3675, A replaced by G.
Protein change: p.Pro1225=; no amino-acid change (proline 1225 retained).
Molecular consequence: synonymous variant. On other transcripts: intron variant (2).
Genome position (GRCh38, 1-based): chr5:83,521,981, A>G. VCF-style: chr5-83521981-A-G. GRCh37 (hg19) VCF-style: chr5-82817800-A-G.
Other names: c.3675A>G, p.Pro1225= (NM_001164098.2); c.1042+9585A>G (NM_001164097.2, NM_001126336.3).
Identifiers: ClinVar variation 3043998 (VCV003043998.2), dbSNP rs189693888, ClinGen allele CA3333033.